The following is an entry in ClinVar:

ClinVar aggregate classification (germline): Pathogenic (1 of 4 stars; one submission).

Conditions:
Neurofibromatosis, type 2 (SWNV). Also called: NF2-Related Schwannomatosis; BILATERAL ACOUSTIC NEUROFIBROMATOSIS; SCHWANNOMATOSIS, VESTIBULAR. Identifiers: Orphanet 637, MedGen C0027832, MONDO:0007039, OMIM 101000. Disease mechanism: loss of function.

Submission:

St. Jude Molecular Pathology, St. Jude Children's Research Hospital
Classification: Pathogenic for Neurofibromatosis, type 2. Last evaluated: 2023-11-29. Review status: criteria provided, single submitter. Criteria: St. Jude Assertion Criteria 2020. Collection method: clinical testing. Allele origin: germline. Affected: yes.
Comment: The NF2 c.900dup (p.Ile301TyrfsTer5) change duplicates one nucleotide to cause a frameshift and the creation of a premature stop codon. This change is predicted to cause protein truncation or absence of protein due to nonsense-mediated decay. This variant is absent in gnomAD v2.1.1. In summary, this variant meets criteria to be classified as pathogenic.

NM_000268.4(NF2):c.900dup (p.Ile301fs)

Gene: NF2 (NF2, moesin-ezrin-radixin like (MERLIN) tumor suppressor; plus strand). Cytogenetic location: 22q12.2.
Variant type: Duplication.
Coding change: c.900dup on transcript NM_000268.4 (MANE Select); coding-DNA position 900, one base duplicated (T; older notation c.900dupT).
Protein change: p.Ile301fs; shifts the reading frame from isoleucine 301.
Molecular consequence: frameshift variant. On other transcripts: non-coding transcript variant (1), intron variant (1).
Genome position (GRCh38, 1-based): chr22:29,668,347, T duplicated. VCF-style (leftmost placement, unchanged base first): chr22-29668346-G-GT. GRCh37 (hg19) VCF-style: chr22-30064335-G-GT.
Other names: c.777dup, p.Ile260fs (NM_181829.3, NM_001407054.1, NM_001407058.1); c.651dup, p.Ile218fs (NM_181830.3, NM_181831.3, NM_001407063.1 and 1 more transcripts); c.900dup, p.Ile301fs (NM_181832.3, NM_001407060.1, NM_001407066.1 and 2 more transcripts); c.447+26062dup (NM_181833.3); c.786dup, p.Ile263fs (NM_001407053.1, NM_001407056.1); c.774dup, p.Ile259fs (NM_001407055.1, NM_181828.3); c.765dup, p.Ile256fs (NM_001407057.1, NM_001407059.1); c.642dup, p.Ile215fs (NM_001407062.1); and 2 more; short protein forms I123fs, I215fs, I218fs, I224fs, I256fs, I259fs, I260fs, I263fs.
Identifiers: ClinVar variation 3377786 (VCV003377786.1).
Genomic context (GRCh38, chr22:29,668,346, plus strand): 5'-AGTAAATTTGTGGATATTAACCTTTTTGTCTGCTTCTGTGGCCACAGATTCTCCAGCTAT[G>GT]TATCGGGAACCATGATCTATTTATGAGGAGAAGGAAAGCCGATTCTTTGGAAGTTCAGCA-3'